The following is an entry in ClinVar:

NM_000256.3(MYBPC3):c.2114C>A (p.Thr705Lys)

Gene: MYBPC3 (myosin binding protein C3; minus strand). Cytogenetic location: 11p11.2.
Variant type: single nucleotide variant.
Coding change: c.2114C>A on transcript NM_000256.3 (MANE Select); coding-DNA position 2114, C replaced by A.
Protein change: p.Thr705Lys; replaces threonine 705 with lysine.
Molecular consequence: missense variant.
Genome position (GRCh38, 1-based): chr11:47,339,358, G>T on the plus strand (C>A on the coding strand, the complement: MYBPC3 is on the minus strand). VCF-style: chr11-47339358-G-T. GRCh37 (hg19) VCF-style: chr11-47360909-G-T.
Other names: short protein forms T705K.
Identifiers: ClinVar variation 3069464 (VCV003069464.3), dbSNP rs2095885899, ClinGen allele CA380320918.

ClinVar aggregate classification (germline): Conflicting classifications of pathogenicity. Review status: criteria provided, conflicting classifications (1 of 4 stars). 3 submissions from 3 submitters: Uncertain significance (2); Likely benign (1). Last evaluated 2024-11-25.

Conditions:
Cardiomyopathy (CMYO). Also called: Cardiomyopathies. Identifiers: Orphanet 167848, MedGen C0878544, MONDO:0004994, HP:0001638. Inheritance: Various modes of inheritance.
Cardiovascular phenotype. Identifiers: MedGen CN230736.
Hypertrophic cardiomyopathy. Also called: HYPERTROPHIC MYOCARDIOPATHY. Identifiers: Orphanet 217569, MedGen C0007194, MeSH D002312, MONDO:0005045, HP:0001639.

Allele frequency attached by ClinVar (database versions not stated): TOPMed below 0.00001.
gnomAD v4.1: 1 of 1,614,070 alleles (0.000062%); highest among the groups gnomAD compares: Non-Finnish European, 0.000085%; no homozygotes.

Submissions (3):

Color Diagnostics, LLC DBA Color Health
Classification: Likely benign for Cardiomyopathy. Last evaluated: 2024-11-25. Review status: criteria provided, single submitter. Criteria: ACMG Guidelines, 2015. Collection method: clinical testing. Allele origin: germline.

All of Us Research Program, National Institutes of Health
Classification: Uncertain significance for Hypertrophic cardiomyopathy. Last evaluated: 2023-11-30. Review status: criteria provided, single submitter. Criteria: ACMG Guidelines, 2015. Collection method: clinical testing. Allele origin: germline. Inheritance: Autosomal dominant inheritance. Observed: 2 variant alleles, 2 heterozygotes.
Comment: This study involves interpretation of variants in research participants for the purpose of population health screening. Participant phenotype was not available at the time of variant classification. Additional details can be found in publication PMID: 35346344, PMCID: PMC8962531

Ambry Genetics
Classification: Uncertain significance for Cardiovascular phenotype. Last evaluated: 2023-11-04. Review status: criteria provided, single submitter. Criteria: Ambry Variant Classification Scheme 2023. Collection method: clinical testing. Allele origin: germline.
Comment: The p.T705K variant (also known as c.2114C>A), located in coding exon 22 of the MYBPC3 gene, results from a C to A substitution at nucleotide position 2114. The threonine at codon 705 is replaced by lysine, an amino acid with similar properties. This amino acid position is conserved. In addition, this alteration is predicted to be tolerated by in silico analysis. Since supporting evidence is limited at this time, the clinical significance of this alteration remains unclear.